The following is an entry in ClinVar:

NM_004586.3(RPS6KA3):c.49_50insCCAC (p.Ser17fs)

Genes: RPS6KA3 (ribosomal protein S6 kinase A3; minus strand), LOC130068032 (ATAC-STARR-seq lymphoblastoid silent region 20696; plus strand). Cytogenetic location: Xp22.12.
Variant type: Insertion.
Coding change: c.49_50insCCAC on transcript NM_004586.3 (MANE Select); coding-DNA positions 49 to 50, CCAC inserted.
Protein change: p.Ser17fs; shifts the reading frame from serine 17.
Molecular consequence: frameshift variant. On other transcripts: intron variant (1).
Genome position: GRCh38 VCF-style: chrX-20266583-C-CGTGG. GRCh37 (hg19) VCF-style: chrX-20284701-C-CGTGG.
Other names: c.-16+455_-16+456insCCAC (NM_001438340.1); short protein forms S17fs.
Identifiers: ClinVar variation 4854662 (VCV004854662.1).

ClinVar aggregate classification (germline): Likely pathogenic (1 of 4 stars; one submission).

Conditions:
Coffin-Lowry syndrome (CLS). Also called: COFFIN-LOWRY SYNDROME, MILD; Mental retardation with osteocartilaginous abnormalities. Identifiers: Orphanet 192, MedGen C0265252, MONDO:0010561, OMIM 303600.

Submission:

3billion
Classification: Likely pathogenic for Coffin-Lowry syndrome. Last evaluated: 2025-07-30. Review status: criteria provided, single submitter. Criteria: ACMG Guidelines, 2015. Collection method: clinical testing. Allele origin: germline. Affected: yes.
Comment: The variant is not observed in the gnomAD v4.1.0 dataset. Predicted Consequence/Location: Frameshift: predicted to result in a loss or disruption of normal protein function through nonsense-mediated decay (NMD) or protein truncation. Multiple pathogenic variants are reported downstream of the variant. Therefore, this variant is classified as Likely pathogenic according to the recommendation of ACMG/AMP guideline.